The following is an entry in ClinVar:

ClinVar aggregate classification (germline): Uncertain significance (1 of 4 stars; one submission).

Conditions:
RYR1-related disorder. Also called: RYR1-related condition; RYR1-related disorders. Identifiers: MedGen CN239331.

gnomAD v4.1: 19 of 1,491,070 alleles (0.0013%); highest among the groups gnomAD compares: Non-Finnish European, 0.0017%; no homozygotes.

Submission:

Labcorp Genetics (formerly Invitae), Labcorp
Classification: Uncertain significance for RYR1-related disorder. Last evaluated: 2025-12-15. Review status: criteria provided, single submitter. Criteria: Invitae Variant Classification Sherloc (09022015). Collection method: clinical testing. Allele origin: germline.
Comment: This sequence change affects codon 4405 of the RYR1 mRNA. It is a 'silent' change, meaning that it does not change the encoded amino acid sequence of the RYR1 protein. This variant is not present in population databases (gnomAD no frequency). This variant has not been reported in the literature in individuals affected with RYR1-related conditions. ClinVar contains an entry for this variant (Variation ID: 2073174). Algorithms developed to predict the effect of sequence changes on RNA splicing suggest that this variant may create or strengthen a splice site. In summary, the available evidence is currently insufficient to determine the role of this variant in disease. Therefore, it has been classified as a Variant of Uncertain Significance.

NM_000540.3(RYR1):c.13215C>T (p.Gly4405=)

Gene: RYR1 (ryanodine receptor 1; plus strand). Cytogenetic location: 19q13.2.
Variant type: single nucleotide variant.
Coding change: c.13215C>T on transcript NM_000540.3 (MANE Select); coding-DNA position 13215, C replaced by T.
Protein change: p.Gly4405=; no amino-acid change (glycine 4405 retained).
Molecular consequence: synonymous variant.
Genome position (GRCh38, 1-based): chr19:38,565,549, C>T. VCF-style: chr19-38565549-C-T. GRCh37 (hg19) VCF-style: chr19-39056189-C-T.
Other names: c.13200C>T, p.Gly4400= (NM_001042723.2).
Identifiers: ClinVar variation 2073174 (VCV002073174.4), dbSNP rs910867163, ClinGen allele CA308109564.
Genomic context (GRCh38, chr19:38,565,549, plus strand): 5'-CCCCACCAGCGACGAGGTGCACGGCGAGCAGCCGGCCGGGCCGGGCGGAGACGCAGACGG[C>T]GAGGGTGCCAGCGAGGGCGCTGGAGACGCCGCGGAGGGCGCTGGAGACGAGGAGGAGGCG-3'
Protein context (NP_000531.2, residues 4395-4415): QPAGPGGDAD[Gly4405=]EGASEGAGDA